The following is an entry in ClinVar:

NM_000383.4(AIRE):c.44G>T (p.Arg15Leu)

Gene: AIRE (autoimmune regulator; plus strand). Cytogenetic location: 21q22.3.
Variant type: single nucleotide variant.
Coding change: c.44G>T on transcript NM_000383.4 (MANE Select); coding-DNA position 44, G replaced by T.
Protein change: p.Arg15Leu; replaces arginine 15 with leucine.
Molecular consequence: missense variant.
Genome position (GRCh38, 1-based): chr21:44,286,050, G>T. VCF-style: chr21-44286050-G-T. GRCh37 (hg19) VCF-style: chr21-45705933-G-T.
Other names: c.44G>T (LRG_18t1, NM_000383.3); short protein forms R15L.
Identifiers: ClinVar variation 68226 (VCV000068226.12), dbSNP rs179363876, ClinGen allele CA219207.
Genomic context (GRCh38, chr21:44,286,050, plus strand): 5'-GTCCCCGCGCCCACCCCATGGCGACGGACGCGGCGCTACGCCGGCTTCTGAGGCTGCACC[G>T]CACGGAGATCGCGGTGGCCGTGGACAGCGCCTTCCCACTGCTGCACGCGCTGGCTGACCA-3'
Protein context (NP_000374.1, residues 5-25): AALRRLLRLH[Arg15Leu]TEIAVAVDSA

ClinVar aggregate classification (germline): Pathogenic/Likely pathogenic. Review status: criteria provided, multiple submitters, no conflicts (2 of 4 stars). 3 submissions from 3 submitters: Pathogenic (1); Likely pathogenic (1). 1 of the submissions does not count toward it. Last evaluated 2025-12-15.

Conditions:
Polyglandular autoimmune syndrome, type 1 (APS1). Also called: HYPOADRENOCORTICISM WITH HYPOPARATHYROIDISM AND SUPERFICIAL MONILIASIS; Whitaker syndrome; Autoimmune polyendocrinopathy syndrome, type I; AUTOIMMUNE POLYENDOCRINE SYNDROME, TYPE I, WITH OR WITHOUT REVERSIBLE METAPHYSEAL DYSPLASIA; Autoimmune polyendocrinopathy syndrome , type I, with or without reversible metaphyseal dysplasia; APS I. Identifiers: Orphanet 3453, MedGen C0085859, MONDO:0009411, OMIM 240300.

Allele frequency attached by ClinVar (database versions not stated): TOPMed below 0.00001; gnomAD exomes 0.00001.
gnomAD v4.1: 9 of 1,540,070 alleles (0.00058%); highest among the groups gnomAD compares: Non-Finnish European, 0.00061%; no homozygotes.

Submissions (3):

Natera, Inc.
Classification: Likely pathogenic for Polyglandular autoimmune syndrome type 1. Last evaluated: 2025-12-15. Review status: criteria provided, single submitter. Criteria: Natera Variant Classification Schema (03/2026). Collection method: clinical testing. Allele origin: germline.
Comment: The c.44G>T variant in AIRE is a missense variant predicted to cause substitution of arginine to leucine at amino acid 15. This variant is rare in the general population with a frequency below the threshold expected for the associated phenotype(s). This variant has been observed in one or more individuals affected with the associated recessive disease, as either homozygous or compound heterozygous with a second variant (PMID: 9837820). Additionally, this variant has been observed to segregate in affected family members (PMID: 9837820). This variant has been identified in one or more affected individual with a phenotype highly consistent with the associated gene (PMID: 9837820). Functional studies show that this variant may disrupt protein function (PMID: 14974083). Computational prediction algorithms indicate this variant is likely to affect gene or protein function. Given the available evidence, this variant is classified as Likely Pathogenic.

Labcorp Genetics (formerly Invitae), Labcorp
Classification: Pathogenic for Polyglandular autoimmune syndrome, type 1. Last evaluated: 2024-10-17. Review status: criteria provided, single submitter. Criteria: Invitae Variant Classification Sherloc (09022015). Collection method: clinical testing. Allele origin: germline.
Comment: This sequence change replaces arginine, which is basic and polar, with leucine, which is neutral and non-polar, at codon 15 of the AIRE protein (p.Arg15Leu). This variant is not present in population databases (gnomAD no frequency). This missense change has been observed in individual(s) with autosomal recessive autoimmune polyendocrinopathy type 1 (PMID: 9837820). In at least one individual the data is consistent with being in trans (on the opposite chromosome) from a pathogenic variant. It has also been observed to segregate with disease in related individuals. ClinVar contains an entry for this variant (Variation ID: 68226). Invitae Evidence Modeling of protein sequence and biophysical properties (such as structural, functional, and spatial information, amino acid conservation, physicochemical variation, residue mobility, and thermodynamic stability) indicates that this missense variant is expected to disrupt AIRE protein function with a positive predictive value of 95%. Experimental studies have shown that this missense change affects AIRE function (PMID: 14974083, 15712268). For these reasons, this variant has been classified as Pathogenic.

UniProtKB/Swiss-Prot
No classification provided. Review status: no classification provided. Collection method: not provided. Allele origin: not provided. Not counted in ClinVar's aggregate classification.

Literature cited by the submitters: PubMed 9837820 (cited by Natera, Inc. and Labcorp Genetics (formerly Invitae), Labcorp); PubMed 14974083 (cited by Natera, Inc. and Labcorp Genetics (formerly Invitae), Labcorp); PubMed 15712268 (cited by Labcorp Genetics (formerly Invitae), Labcorp).